The following is an entry in ClinVar:

ClinVar aggregate classification (germline): Uncertain significance (1 of 4 stars; one submission).

Conditions:
Inborn genetic diseases. Identifiers: MedGen C0950123, MeSH D030342.

Submission:

Ambry Genetics
Classification: Uncertain significance for Inborn genetic diseases. Last evaluated: 2025-08-25. Review status: criteria provided, single submitter. Criteria: Ambry Variant Classification Scheme 2023. Collection method: clinical testing. Allele origin: germline.
Comment: The p.D294Y variant (also known as c.880G>T), located in coding exon 6 of the MECOM gene, results from a G to T substitution at nucleotide position 880. The aspartic acid at codon 294 is replaced by tyrosine, an amino acid with highly dissimilar properties. This amino acid position is conserved. In addition, the in silico prediction for this alteration is inconclusive. Based on the available evidence, the clinical significance of this variant remains unclear.

NM_004991.4(MECOM):c.880G>T (p.Asp294Tyr)

Gene: MECOM (MDS1 and EVI1 complex locus; minus strand). Cytogenetic location: 3q26.2.
Variant type: single nucleotide variant.
Coding change: c.880G>T on transcript NM_004991.4 (MANE Select); coding-DNA position 880, G replaced by T.
Protein change: p.Asp294Tyr; replaces aspartic acid 294 with tyrosine.
Molecular consequence: missense variant.
Genome position (GRCh38, 1-based): chr3:169,122,678, C>A on the plus strand (G>T on the coding strand, the complement: MECOM is on the minus strand). VCF-style: chr3-169122678-C-A. GRCh37 (hg19) VCF-style: chr3-168840466-C-A.
Other names: c.508G>T, p.Asp170Tyr (NM_001105077.4); c.316G>T, p.Asp106Tyr (NM_001105078.4, NM_001163999.2, NM_001164000.2 and 9 more transcripts); c.880G>T, p.Asp294Tyr (NM_001366466.2, NM_001366473.2); short protein forms D170Y, D294Y, D106Y.
Identifiers: ClinVar variation 4105878 (VCV004105878.1).
Genomic context (GRCh38, chr3:169,122,678, plus strand): 5'-CATGTGACATCTGGTGGCGAATTAAATTGGACTTCCAGTTAAATGCCTTGGGACACTGAT[C>A]ACACTTGTATTCCCTCTCTTCAGTATGTGACAGCATGTGTTTCTCCAGGCTGTTAAGAGA-3'
Protein context (NP_004982.2, residues 284-304): SHTEEREYKC[Asp294Tyr]QCPKAFNWKS